The following is an entry in ClinVar:

NM_001365999.1(SZT2):c.2920G>T (p.Val974Phe)

Gene: SZT2 (SZT2 subunit of KICSTOR complex; plus strand). Cytogenetic location: 1p34.2.
Variant type: single nucleotide variant.
Coding change: c.2920G>T on transcript NM_001365999.1 (MANE Select); coding-DNA position 2920, G replaced by T.
Protein change: p.Val974Phe; replaces valine 974 with phenylalanine.
Molecular consequence: missense variant.
Genome position (GRCh38, 1-based): chr1:43,425,940, G>T. VCF-style: chr1-43425940-G-T. GRCh37 (hg19) VCF-style: chr1-43891611-G-T.
Other names: c.2920G>T, p.Val974Phe (NM_015284.4); short protein forms V974F.
Identifiers: ClinVar variation 934062 (VCV000934062.8), dbSNP rs779710091, ClinGen allele CA808844.

ClinVar aggregate classification (germline): Uncertain significance. Review status: criteria provided, multiple submitters, no conflicts (2 of 4 stars). 3 submissions from 3 submitters: Uncertain significance (3). Last evaluated 2026-03-16.

Conditions:
Inborn genetic diseases. Identifiers: MedGen C0950123, MeSH D030342.

Allele frequency attached by ClinVar (database versions not stated): gnomAD exomes 0.00001 and 0.00002; gnomAD 0.00001; TOPMed 0.00001; ExAC 0.00003.
gnomAD v4.1: 22 of 1,614,008 alleles (0.0014%); highest among the groups gnomAD compares: South Asian, 0.0055%; no homozygotes.

Submissions (3):

GeneDx
Classification: Uncertain significance. Last evaluated: 2026-03-16. Review status: criteria provided, single submitter. Criteria: GeneDx Variant Classification Process June 2021. Collection method: clinical testing. Allele origin: germline.
Comment: Not observed at significant frequency in large population cohorts (gnomAD); In silico analysis suggests that this missense variant does not alter protein structure/function; Has not been previously published as pathogenic or benign to our knowledge

Ambry Genetics
Classification: Uncertain significance for Inborn genetic diseases. Last evaluated: 2025-12-11. Review status: criteria provided, single submitter. Criteria: Ambry Variant Classification Scheme 2023. Collection method: clinical testing. Allele origin: germline.

Labcorp Genetics (formerly Invitae), Labcorp
Classification: Uncertain significance. Last evaluated: 2022-10-17. Review status: criteria provided, single submitter. Criteria: Invitae Variant Classification Sherloc (09022015). Collection method: clinical testing. Allele origin: germline.
Comment: This sequence change replaces valine, which is neutral and non-polar, with phenylalanine, which is neutral and non-polar, at codon 974 of the SZT2 protein (p.Val974Phe). This variant is present in population databases (rs779710091, gnomAD 0.006%). This variant has not been reported in the literature in individuals affected with SZT2-related conditions. ClinVar contains an entry for this variant (Variation ID: 934062). Advanced modeling of protein sequence and biophysical properties (such as structural, functional, and spatial information, amino acid conservation, physicochemical variation, residue mobility, and thermodynamic stability) performed at Invitae indicates that this missense variant is not expected to disrupt SZT2 protein function. In summary, the available evidence is currently insufficient to determine the role of this variant in disease. Therefore, it has been classified as a Variant of Uncertain Significance.